The following is an entry in ClinVar:

ClinVar aggregate classification (germline): Uncertain significance (1 of 4 stars; one submission).

Conditions:
Bardet-Biedl syndrome (BBS). Identifiers: Orphanet 110, MedGen C0752166, MONDO:0015229.

Submission:

Labcorp Genetics (formerly Invitae), Labcorp
Classification: Uncertain significance for Bardet-Biedl syndrome. Last evaluated: 2021-08-31. Review status: criteria provided, single submitter. Criteria: Invitae Variant Classification Sherloc (09022015). Collection method: clinical testing. Allele origin: germline.
Comment: This sequence change replaces isoleucine with leucine at codon 415 of the BBS7 protein (p.Ile415Leu). The isoleucine residue is highly conserved and there is a small physicochemical difference between isoleucine and leucine. This variant is not present in population databases (ExAC no frequency). This variant has not been reported in the literature in individuals affected with BBS7-related conditions. Algorithms developed to predict the effect of missense changes on protein structure and function are either unavailable or do not agree on the potential impact of this missense change (SIFT: "Deleterious"; PolyPhen-2: "Benign"; Align-GVGD: "Class C0"). In summary, the available evidence is currently insufficient to determine the role of this variant in disease. Therefore, it has been classified as a Variant of Uncertain Significance.

NM_176824.3(BBS7):c.1243A>C (p.Ile415Leu)

Gene: BBS7 (Bardet-Biedl syndrome 7; minus strand). Cytogenetic location: 4q27.
Variant type: single nucleotide variant.
Coding change: c.1243A>C on transcript NM_176824.3 (MANE Select); coding-DNA position 1243, A replaced by C.
Protein change: p.Ile415Leu; replaces isoleucine 415 with leucine.
Molecular consequence: missense variant.
Genome position (GRCh38, 1-based): chr4:121,843,989, T>G on the plus strand (A>C on the coding strand, the complement: BBS7 is on the minus strand). VCF-style: chr4-121843989-T-G. GRCh37 (hg19) VCF-style: chr4-122765144-T-G.
Other names: c.1243A>C, p.Ile415Leu (NM_018190.4); short protein forms I415L.
Identifiers: ClinVar variation 1024587 (VCV001024587.2), dbSNP rs1299054607, ClinGen allele CA358061668.